The following is an entry in ClinVar:

ClinVar aggregate classification (germline): Pathogenic/Likely pathogenic. Review status: criteria provided, multiple submitters, no conflicts (2 of 4 stars). 2 submissions from 2 submitters: Pathogenic (1); Likely pathogenic (1). Last evaluated 2024-08-02.

Conditions:
Usher syndrome type 1 (USH1). Also called: RETINITIS PIGMENTOSA AND CONGENITAL DEAFNESS. Identifiers: Orphanet 231169, Orphanet 886, MedGen C1568247, MONDO:0010168, OMIM 276900.

Submissions (2):

Natera, Inc.
Classification: Likely pathogenic for Usher syndrome type 1. Last evaluated: 2024-08-02. Review status: criteria provided, single submitter. Criteria: Natera Variant Classification Schema (03/2026). Collection method: clinical testing. Allele origin: germline.
Comment: The c.6463_6464dup variant in CDH23 is a frameshift variant predicted to shift the reading frame beginning at codon 2156 and leads to a stop codon 9 codons downstream. This variant is expected to result in nonsense mediated decay, truncation, or a dysfunctional protein product. This variant is rare in the general population with a frequency below the threshold expected for the associated phenotype(s). Given the available evidence, this variant is classified as Likely Pathogenic.

Labcorp Genetics (formerly Invitae), Labcorp
Classification: Pathogenic. Last evaluated: 2023-10-18. Review status: criteria provided, single submitter. Criteria: Invitae Variant Classification Sherloc (09022015). Collection method: clinical testing. Allele origin: germline.
Comment: This sequence change creates a premature translational stop signal (p.Gly2156Argfs*9) in the CDH23 gene. It is expected to result in an absent or disrupted protein product. Loss-of-function variants in CDH23 are known to be pathogenic (PMID: 11138009, 21940737). This variant is not present in population databases (gnomAD no frequency). This variant has not been reported in the literature in individuals affected with CDH23-related conditions. For these reasons, this variant has been classified as Pathogenic.

Literature cited by the submitters: PubMed 11138009 (cited by Labcorp Genetics (formerly Invitae), Labcorp); PubMed 21940737 (cited by Labcorp Genetics (formerly Invitae), Labcorp).

NM_022124.6(CDH23):c.6463_6464dup (p.Gly2156fs)

Gene: CDH23 (cadherin related 23; plus strand). Cytogenetic location: 10q22.1.
Variant type: Microsatellite.
Coding change: c.6463_6464dup on transcript NM_022124.6 (MANE Select); coding-DNA positions 6463 to 6464, 2 bases duplicated (TC; older notation c.6463_6464dupTC).
Protein change: p.Gly2156fs; shifts the reading frame from glycine 2156.
Molecular consequence: frameshift variant.
Genome position (GRCh38, 1-based): chr10:71,793,391-71,793,392, TC duplicated; duplicating any 2 consecutive bases within chr10:71,793,386-71,793,392 gives the same sequence; the c. name uses the placement nearest the transcript's 3' end. VCF-style (leftmost placement, unchanged base first): chr10-71793385-C-CCT. GRCh37 (hg19) VCF-style: chr10-73553142-C-CCT.
Other names: c.6463_6464dup (NM_022124.5); short protein forms G2156fs.
Identifiers: ClinVar variation 2769924 (VCV002769924.4), dbSNP rs866677740, ClinGen allele CA209466191.